The following continues an entry in ClinVar:

NM_007294.4(BRCA1):c.3424G>C (p.Ala1142Pro)

ClinVar aggregate classification (germline): Conflicting classifications of pathogenicity. Uncertain significance (8); Likely benign (2).

Submissions 7 to 13 of 13:

All of Us Research Program, National Institutes of Health
Classification: Uncertain significance for Breast-ovarian cancer, familial, susceptibility to, 1. Last evaluated: 2024-02-05. Review status: criteria provided, single submitter. Criteria: ACMG Guidelines, 2015. Collection method: clinical testing. Allele origin: germline. Inheritance: Autosomal dominant inheritance. Observed: 4 variant alleles, 4 heterozygotes.
Comment: This missense variant replaces alanine with proline at codon 1142 of the BRCA1 protein. Computational prediction suggests that this variant may not impact protein structure and function (internally defined REVEL score threshold <= 0.5, PMID: 27666373). Splice site prediction tools suggest that this variant may not impact RNA splicing. To our knowledge, functional studies have not been performed for this variant. This variant has been detected in a breast cancer case-control meta-analysis in 2/60466 cases and 0/53461 unaffected individuals (PMID: 33471991; Leiden Open Variation Database DB-ID BRCA1_002535) and in a suspected hereditary breast and ovarian cancer family (PMID: 9333265). This variant also has been reported in a mother-daughter pair both affected with high-risk breast cancer and a BRCA2 truncation variant (PMID: 30214756). This variant also has been reported with co-occurrence and family history likelihood ratios for pathogenicity of 1.1026 and 0.0608, respectively (PMID: 31131967). This variant has not been identified in the general population by the Genome Aggregation Database (gnomAD). The available evidence is insufficient to determine the role of this variant in disease conclusively. Therefore, this variant is classified as a Variant of Uncertain Significance.

This study involves interpretation of variants in research participants for the purpose of population health screening. Participant phenotype was not available at the time of variant classification. Additional details can be found in publication PMID: 35346344, PMCID: PMC8962531

University of Washington Department of Laboratory Medicine, University of Washington
Classification: Likely benign for Hereditary cancer-predisposing syndrome. Last evaluated: 2023-03-23. Review status: criteria provided, single submitter. Criteria: Dines et al. (Genet Med. 2020). Collection method: curation. Allele origin: germline.
Comment: Missense variant in a coldspot region where missense variants are very unlikely to be pathogenic (PMID:31911673).

BRCA1 coldspot (exon 11 using historical exon numbering). Reclassification based on statistical prior probability

Sema4
Classification: Uncertain significance for Hereditary cancer-predisposing syndrome. Last evaluated: 2021-12-14. Review status: criteria provided, single submitter. Criteria: Sema4 Curation Guidelines. Collection method: curation. Allele origin: germline.
Comment: The BRCA1 c.3424G>C (p.A1142P) variant has been reported in heterozygosity in at least four individuals with a personal and/or family history of breast and/or ovarian cancer; however, at least one individual also carried a disease-causing variant in the BRCA2 gene (PMID: 9333265, 33471991, 30214756). It was not observed in the large and broad cohorts of the Genome Aggregation Database (PMID: 32461654). The variant has been reported in ClinVar (Variation ID: 54878). Functional studies have not been performed, and in silico predictions of the variant's effect on protein function are inconclusive. The evidence is insufficient to meet ACMG/AMP criteria for classifying the variant as benign or pathogenic. Thus, the clinical significance of this variant is currently uncertain.

Fulgent Genetics
Classification: Uncertain significance for Familial cancer of breast; Breast-ovarian cancer, familial, susceptibility to, 1; Pancreatic cancer, susceptibility to, 4; Fanconi anemia, complementation group S. Last evaluated: 2018-10-31. Review status: criteria provided, single submitter. Criteria: ACMG Guidelines, 2015. Collection method: clinical testing. Allele origin: unknown.

Department of Medical and Surgical Sciences, University of Bologna
Classification: Likely benign for Breast-ovarian cancer, familial, susceptibility to, 1. Last evaluated: 2023-09-01. Review status: no assertion criteria provided. Collection method: clinical testing. Allele origin: germline. Affected: yes. Not counted in ClinVar's aggregate classification.
Comment: PM2(Supporting)+BP1(Strong)+BP5(Moderate) according to ACMG/AMP classification guidelines specified for BRCA1 & BRCA2 (Classification Criteria V1.0.0 2023-09-08) (PMID: 38160042)

Counsyl
Classification: Uncertain significance for Breast-ovarian cancer, familial, susceptibility to, 1. Last evaluated: 2018-03-13. Review status: no assertion criteria provided. Collection method: clinical testing. Allele origin: unknown. Not counted in ClinVar's aggregate classification.

Breast Cancer Information Core (BIC) (BRCA1)
Classification: Uncertain significance for Breast-ovarian cancer, familial 1. Last evaluated: 1997-02-15. Review status: no assertion criteria provided. Collection method: clinical testing. Allele origin: germline. Affected: yes. Observed: 1 variant allele. Not counted in ClinVar's aggregate classification.

Literature cited by the submitters: PubMed 33087888 (cited by Women's Health and Genetics/Laboratory Corporation of America, LabCorp); PubMed 30214756 (cited by 6 submitters); PubMed 9333265 (cited by 6 submitters); PubMed 31131967 (cited by 3 submitters); PubMed 33471991 (cited by 5 submitters); PubMed 25348012 (cited by Ambry Genetics); PubMed 15385441 (cited by Counsyl).